The following is an entry in ClinVar:

ClinVar aggregate classification (germline): Likely pathogenic (1 of 4 stars; one submission).

Conditions:
Polycystic kidney disease, adult type (PKD1). Also called: POLYCYSTIC KIDNEY DISEASE, ADULT, TYPE I; Polycystic Kidney, Autosomal Dominant; Polycystic Kidney Disease 1, Autosomal Dominant; Polycystic kidney disease 1; Polycystic kidney disease 1, severe; POLYCYSTIC KIDNEY DISEASE 1 WITH OR WITHOUT POLYCYSTIC LIVER DISEASE. Identifiers: MedGen C3149841, MONDO:0008263, OMIM 173900.

Submission:

Victorian Clinical Genetics Services, Murdoch Childrens Research Institute
Classification: Likely pathogenic for Polycystic kidney disease, adult type. Last evaluated: 2021-05-06. Review status: criteria provided, single submitter. Criteria: ACMG Guidelines, 2015. Collection method: clinical testing. Allele origin: germline. Inheritance: Autosomal dominant inheritance. Affected: yes.
Comment: Based on the classification scheme VCGS_Germline_v1.3.4, this variant is classified as Likely pathogenic. Following criteria are met: 0102 - Loss of function is a known mechanism of disease in this gene and is associated with polycystic kidney disease 1 (MIM#173900). (I) 0107 - This gene is associated with autosomal dominant disease. (I) 0212 - Non-canonical splice site variant without proven consequence on splicing (no functional evidence available). (SP) 0251 - This variant is heterozygous. (I) 0301 - Variant is absent from gnomAD (both v2 and v3). (SP) 0505 - Abnormal splicing is predicted by in silico tools and affected nucleotide is highly conserved. (SP) 0705 - No comparable non-canonical splice variants have previous evidence for pathogenicity. (I) 0803 - This variant has limited previous evidence of pathogenicity in unrelated individuals. The variant has been previously reported in one family with three affected patients with ADPKD (PMID: 29529603). (SP) 1007 - No published functional evidence has been identified for this variant. (SP) Legend: (SP) - Supporting pathogenic, (I) - Information, (SB) - Supporting benign

Literature cited by the submitters: PubMed 29529603.

NM_001009944.3(PKD1):c.10822-3C>G

Genes: PKD1-AS1 (PKD1 antisense RNA 1; plus strand), PKD1 (polycystin 1, transient receptor potential channel interacting; minus strand). Cytogenetic location: 16p13.3.
Variant type: single nucleotide variant.
Coding change: c.10822-3C>G on transcript NM_001009944.3 (MANE Select); 3 bases into the intron before coding-DNA position 10822, C replaced by G.
Molecular consequence: intron variant.
Genome position (GRCh38, 1-based): chr16:2,093,741, G>C on the plus strand (C>G on the coding strand, the complement: PKD1 is on the minus strand). VCF-style: chr16-2093741-G-C. GRCh37 (hg19) VCF-style: chr16-2143742-G-C.
Other names: c.10819-3C>G (NM_000296.4).
Identifiers: ClinVar variation 1806303 (VCV001806303.1), dbSNP rs2544648778, ClinGen allele CA923726087.